The following is an entry in ClinVar:

NM_002180.3(IGHMBP2):c.1477A>G (p.Thr493Ala)

Gene: IGHMBP2 (immunoglobulin mu DNA binding protein 2; plus strand). Cytogenetic location: 11q13.3.
Variant type: single nucleotide variant.
Coding change: c.1477A>G on transcript NM_002180.3 (MANE Select); coding-DNA position 1477, A replaced by G.
Protein change: p.Thr493Ala; replaces threonine 493 with alanine.
Molecular consequence: missense variant.
Genome position (GRCh38, 1-based): chr11:68,933,853, A>G. VCF-style: chr11-68933853-A-G. GRCh37 (hg19) VCF-style: chr11-68701321-A-G.
Other names: short protein forms T493A.
Identifiers: ClinVar variation 1426154 (VCV001426154.8), dbSNP rs2154008651, ClinGen allele CA381649945.

ClinVar aggregate classification (germline): Pathogenic (1 of 4 stars; one submission).

Conditions:
Charcot-Marie-Tooth disease axonal type 2S. Also called: CHARCOT-MARIE-TOOTH NEUROPATHY, TYPE 2S; CHARCOT-MARIE-TOOTH DISEASE, AXONAL, AUTOSOMAL RECESSIVE, TYPE 2S. Identifiers: Orphanet 443073, MedGen C4015349, MONDO:0014511, OMIM 616155.
Autosomal recessive distal spinal muscular atrophy 1. Also called: NEURONOPATHY, DISTAL HEREDITARY MOTOR, HARDING TYPE VI; NEUROPATHY, DISTAL HEREDITARY MOTOR, AUTOSOMAL RECESSIVE 1; SEVERE INFANTILE AXONAL NEUROPATHY WITH RESPIRATORY FAILURE; SPINAL MUSCULAR ATROPHY, DIAPHRAGMATIC; Spinal muscular atrophy with respiratory distress 1; NEURONOPATHY, SEVERE INFANTILE AXONAL, WITH RESPIRATORY FAILURE. Identifiers: Orphanet 98920, MedGen C1858517, MONDO:0011436, OMIM 604320.

gnomAD v4.1: 13 of 1,609,162 alleles (0.00081%); highest among the groups gnomAD compares: Non-Finnish European, 0.0011%; no homozygotes.

Submission:

Labcorp Genetics (formerly Invitae), Labcorp
Classification: Pathogenic for Autosomal recessive distal spinal muscular atrophy 1; Charcot-Marie-Tooth disease axonal type 2S. Last evaluated: 2024-08-05. Review status: criteria provided, single submitter. Criteria: Invitae Variant Classification Sherloc (09022015). Collection method: clinical testing. Allele origin: germline.
Comment: This sequence change replaces threonine, which is neutral and polar, with alanine, which is neutral and non-polar, at codon 493 of the IGHMBP2 protein (p.Thr493Ala). This variant is not present in population databases (gnomAD no frequency). This missense change has been observed in individual(s) with clinical features of spinal muscular atrophy with respiratory distress (Invitae). In at least one individual the data is consistent with being in trans (on the opposite chromosome) from a pathogenic variant. ClinVar contains an entry for this variant (Variation ID: 1426154). Advanced modeling of protein sequence and biophysical properties (such as structural, functional, and spatial information, amino acid conservation, physicochemical variation, residue mobility, and thermodynamic stability) performed at Invitae indicates that this missense variant is expected to disrupt IGHMBP2 protein function with a positive predictive value of 80%. This variant disrupts the p.Thr493 amino acid residue in IGHMBP2. Other variant(s) that disrupt this residue have been determined to be pathogenic (PMID: 18802676, 19157874, 25454169, 27450922). This suggests that this residue is clinically significant, and that variants that disrupt this residue are likely to be disease-causing. For these reasons, this variant has been classified as Pathogenic.

Literature cited by the submitters: PubMed 18802676; PubMed 19157874; PubMed 25454169; PubMed 27450922.